The following is an entry in ClinVar:

NM_012073.5(CCT5):c.1420A>G (p.Met474Val)

Gene: CCT5 (chaperonin containing TCP1 subunit 5; plus strand). Cytogenetic location: 5p15.2.
Variant type: single nucleotide variant.
Coding change: c.1420A>G on transcript NM_012073.5 (MANE Select); coding-DNA position 1420, A replaced by G.
Protein change: p.Met474Val; replaces methionine 474 with valine.
Molecular consequence: missense variant.
Genome position (GRCh38, 1-based): chr5:10,263,236, A>G. VCF-style: chr5-10263236-A-G. GRCh37 (hg19) VCF-style: chr5-10263348-A-G.
Other names: c.1357A>G, p.Met453Val (NM_001306153.1); c.1255A>G, p.Met419Val (NM_001306154.2); c.1141A>G, p.Met381Val (NM_001306155.2); c.1306A>G, p.Met436Val (NM_001306156.2); short protein forms M419V, M474V, M453V, M381V, M436V.
Identifiers: ClinVar variation 4222410 (VCV004222410.2).
Genomic context (GRCh38, chr5:10,263,236, plus strand): 5'-GCACTGGAGGTCATCCCCATGGCCCTCTCTGAAAACAGTGGCATGAATCCCATCCAGACT[A>G]TGACCGAAGTCCGAGCCAGACAGGTGAAGGAGATGAACCCTGCTCTTGGCATCGACTGTT-3'
Protein context (NP_036205.1, residues 464-484): ENSGMNPIQT[Met474Val]TEVRARQVKE

ClinVar aggregate classification (germline): Uncertain significance. Review status: criteria provided, multiple submitters, no conflicts (2 of 4 stars). 2 submissions from 2 submitters: Uncertain significance (2). Last evaluated 2025-08-22.

Conditions:
Hereditary sensory and autonomic neuropathy with spastic paraplegia (HSNSP). Identifiers: Orphanet 139578, MedGen C1850395, MONDO:0009748, OMIM 256840.

gnomAD v4.1: 26 of 1,614,072 alleles (0.0016%); highest among the groups gnomAD compares: South Asian, 0.015%; no homozygotes.

Submissions (2):

Ambry Genetics
Classification: Uncertain significance. Last evaluated: 2025-08-22. Review status: criteria provided, single submitter. Criteria: Ambry Variant Classification Scheme 2023. Collection method: clinical testing. Allele origin: germline.

Labcorp Genetics (formerly Invitae), Labcorp
Classification: Uncertain significance for Hereditary sensory and autonomic neuropathy with spastic paraplegia. Last evaluated: 2025-04-30. Review status: criteria provided, single submitter. Criteria: Invitae Variant Classification Sherloc (09022015). Collection method: clinical testing. Allele origin: germline.
Comment: This sequence change replaces methionine, which is neutral and non-polar, with valine, which is neutral and non-polar, at codon 474 of the CCT5 protein (p.Met474Val). This variant is present in population databases (rs762233154, gnomAD 0.02%). This variant has not been reported in the literature in individuals affected with CCT5-related conditions. Invitae Evidence Modeling of protein sequence and biophysical properties (such as structural, functional, and spatial information, amino acid conservation, physicochemical variation, residue mobility, and thermodynamic stability) indicates that this missense variant is not expected to disrupt CCT5 protein function with a negative predictive value of 80%. In summary, the available evidence is currently insufficient to determine the role of this variant in disease. Therefore, it has been classified as a Variant of Uncertain Significance.